The following is an entry in ClinVar:

ClinVar aggregate classification (germline): Uncertain significance (1 of 4 stars; one submission).

Allele frequency attached by ClinVar (database versions not stated): gnomAD 0.00001; gnomAD exomes 0.00002; ExAC 0.00002; TOPMed 0.00004.
gnomAD v4.1: 32 of 1,613,916 alleles (0.002%); highest among the groups gnomAD compares: Non-Finnish European, 0.0026%; no homozygotes.

Submission:

Labcorp Genetics (formerly Invitae), Labcorp
Classification: Uncertain significance. Last evaluated: 2021-11-27. Review status: criteria provided, single submitter. Criteria: Invitae Variant Classification Sherloc (09022015). Collection method: clinical testing. Allele origin: germline.
Comment: This sequence change replaces isoleucine, which is neutral and non-polar, with valine, which is neutral and non-polar, at codon 1843 of the PCDH15 protein (p.Ile1843Val). This variant is present in population databases (rs536348883, gnomAD 0.004%). This variant has not been reported in the literature in individuals affected with PCDH15-related conditions. Algorithms developed to predict the effect of missense changes on protein structure and function output the following: SIFT: "Tolerated"; PolyPhen-2: "Not Available"; Align-GVGD: "Class C0". The valine amino acid residue is found in multiple mammalian species, which suggests that this missense change does not adversely affect protein function. In summary, the available evidence is currently insufficient to determine the role of this variant in disease. Therefore, it has been classified as a Variant of Uncertain Significance.

NM_033056.4(PCDH15):c.5527A>G (p.Ile1843Val)

Gene: PCDH15 (protocadherin related 15; minus strand). Cytogenetic location: 10q21.1.
Variant type: single nucleotide variant.
Coding change: c.5527A>G on transcript NM_033056.4 (MANE Plus Clinical); coding-DNA position 5527, A replaced by G.
Protein change: p.Ile1843Val; replaces isoleucine 1843 with valine.
Molecular consequence: missense variant. On other transcripts: intron variant (8).
Genome position (GRCh38, 1-based): chr10:53,822,199, T>C on the plus strand (A>G on the coding strand, the complement: PCDH15 is on the minus strand). VCF-style: chr10-53822199-T-C. GRCh37 (hg19) VCF-style: chr10-55581959-T-C.
Other names: c.5548A>G, p.Ile1850Val (NM_001142763.2); c.5533A>G, p.Ile1845Val (NM_001142764.2); c.5320A>G, p.Ile1774Val (NM_001142765.2); c.5518A>G, p.Ile1840Val (NM_001142766.2); c.5407A>G, p.Ile1803Val (NM_001142767.2); c.5467A>G, p.Ile1823Val (NM_001142768.2); c.5458A>G, p.Ile1820Val (NM_001142773.2); c.5461A>G, p.Ile1821Val (NM_001354404.2); and 7 more; short protein forms I1820V, I1823V, I1840V, I1803V, I1843V, I1850V, I1774V, I1821V.
Identifiers: ClinVar variation 1425790 (VCV001425790.3), dbSNP rs536348883, ClinGen allele CA5505015.